The following is an entry in ClinVar:

ClinVar aggregate classification (germline): Uncertain significance (1 of 4 stars; one submission).

Submission:

GeneDx
Classification: Uncertain significance. Last evaluated: 2026-01-13. Review status: criteria provided, single submitter. Criteria: GeneDx Variant Classification Process June 2021. Collection method: clinical testing. Allele origin: germline.
Comment: Not observed at significant frequency in large population cohorts (gnomAD); In silico analysis supports that this missense variant does not alter protein structure/function; Has not been previously published as pathogenic or benign to our knowledge

NM_030632.3(ASXL3):c.4943A>C (p.Asn1648Thr)

Gene: ASXL3 (ASXL transcriptional regulator 3; plus strand). Cytogenetic location: 18q12.1.
Variant type: single nucleotide variant.
Coding change: c.4943A>C on transcript NM_030632.3 (MANE Select); coding-DNA position 4943, A replaced by C.
Protein change: p.Asn1648Thr; replaces asparagine 1648 with threonine.
Molecular consequence: missense variant.
Genome position (GRCh38, 1-based): chr18:33,744,791, A>C. VCF-style: chr18-33744791-A-C. GRCh37 (hg19) VCF-style: chr18-31324755-A-C.
Other names: short protein forms N1648T.
Identifiers: ClinVar variation 2662365 (VCV002662365.2), dbSNP rs2510930037, ClinGen allele CA402192282.